The following is an entry in ClinVar:

NM_001458.5(FLNC):c.880C>T (p.Gln294Ter)

Gene: FLNC (filamin C; plus strand). Cytogenetic location: 7q32.1.
Variant type: single nucleotide variant.
Coding change: c.880C>T on transcript NM_001458.5 (MANE Select); coding-DNA position 880, C replaced by T.
Protein change: p.Gln294Ter; replaces glutamine 294 with a stop codon.
Molecular consequence: nonsense.
Genome position (GRCh38, 1-based): chr7:128,837,666, C>T. VCF-style: chr7-128837666-C-T. GRCh37 (hg19) VCF-style: chr7-128477720-C-T.
Other names: c.880C>T, p.Gln294Ter (NM_001127487.2); short protein forms Q294*.
Identifiers: ClinVar variation 3515941 (VCV003515941.1).

ClinVar aggregate classification (germline): Pathogenic (1 of 4 stars; one submission).

Conditions:
Cardiovascular phenotype. Identifiers: MedGen CN230736.

Submission:

Ambry Genetics
Classification: Pathogenic for Cardiovascular phenotype. Last evaluated: 2024-09-04. Review status: criteria provided, single submitter. Criteria: Ambry Variant Classification Scheme 2023. Collection method: clinical testing. Allele origin: germline.
Comment: The p.Q294* pathogenic mutation (also known as c.880C>T), located in coding exon 5 of the FLNC gene, results from a C to T substitution at nucleotide position 880. This changes the amino acid from a glutamine to a stop codon within coding exon 5. This variant has been observed in at least one individual with a personal and/or family history that is consistent with dilated cardiomyopathy (Ambry internal data). This variant is considered to be rare based on population cohorts in the Genome Aggregation Database (gnomAD). This alteration is expected to result in loss of function by premature protein truncation or nonsense-mediated mRNA decay. As such, this alteration is interpreted as a disease-causing mutation for FLNC-related dilated cardiomyopathy; however, its clinical significance for FLNC-related hypertrophic/restrictive cardiomyopathy and/or skeletal myopathy is uncertain.